The following is an entry in ClinVar:

ClinVar aggregate classification (germline): Uncertain significance (1 of 4 stars; one submission).

Conditions:
Hereditary cancer-predisposing syndrome. Also called: Neoplastic Syndromes, Hereditary; Tumor predisposition; Hereditary Cancer Syndrome; Hereditary neoplastic syndrome. Identifiers: Orphanet 140162, MedGen C0027672, MeSH D009386, MONDO:0015356.

Submission:

Ambry Genetics
Classification: Uncertain significance for Hereditary cancer-predisposing syndrome. Last evaluated: 2021-06-10. Review status: criteria provided, single submitter. Criteria: Ambry Variant Classification Scheme 2023. Collection method: clinical testing. Allele origin: germline.
Comment: The p.E274A variant (also known as c.821A>C), located in coding exon 3 of the XRCC2 gene, results from an A to C substitution at nucleotide position 821. The glutamic acid at codon 274 is replaced by alanine, an amino acid with dissimilar properties. This amino acid position is conserved. In addition, the in silico prediction for this alteration is inconclusive. Since supporting evidence is limited at this time, the clinical significance of this alteration remains unclear.

NM_005431.2(XRCC2):c.821A>C (p.Glu274Ala)

Gene: XRCC2 (X-ray repair cross complementing 2; minus strand). Cytogenetic location: 7q36.1.
Variant type: single nucleotide variant.
Coding change: c.821A>C on transcript NM_005431.2 (MANE Select); coding-DNA position 821, A replaced by C.
Protein change: p.Glu274Ala; replaces glutamic acid 274 with alanine.
Molecular consequence: missense variant.
Genome position (GRCh38, 1-based): chr7:152,648,664, T>G on the plus strand (A>C on the coding strand, the complement: XRCC2 is on the minus strand). VCF-style: chr7-152648664-T-G. GRCh37 (hg19) VCF-style: chr7-152345749-T-G.
Other names: short protein forms E274A.
Identifiers: ClinVar variation 1762493 (VCV001762493.2), dbSNP rs1064794061, ClinGen allele CA370197862.